The following is an entry in ClinVar:

NM_007192.4(SUPT16H):c.483A>G (p.Lys161=)

Gene: SUPT16H (SPT16 homolog, facilitates chromatin remodeling subunit; minus strand). Cytogenetic location: 14q11.2.
Variant type: single nucleotide variant.
Coding change: c.483A>G on transcript NM_007192.4 (MANE Select); coding-DNA position 483, A replaced by G.
Protein change: p.Lys161=; no amino-acid change (lysine 161 retained).
Molecular consequence: synonymous variant.
Genome position (GRCh38, 1-based): chr14:21,370,336, T>C on the plus strand (A>G on the coding strand, the complement: SUPT16H is on the minus strand). VCF-style: chr14-21370336-T-C. GRCh37 (hg19) VCF-style: chr14-21838495-T-C.
Identifiers: ClinVar variation 4883021 (VCV004883021.2).
Genomic context (GRCh38, chr14:21,370,336, plus strand): 5'-AAGCCCATCACATTTCTGTCTTCTCAACTCTTGATTTGCTATTTCCAGTAGTATTCTTAC[T>C]TTGTCAAAGCCTTCTTTGTTGAGGCAGTCATTCCAGCTCTTCATGAACTCTCCAGGGAAT-3'
Protein context (NP_009123.1, residues 151-171): NDCLNKEGFD[Lys161=]IDISAVVAYT

ClinVar aggregate classification (germline): Uncertain significance (1 of 4 stars; one submission).

Submission:

Dasa
Classification: Uncertain significance. Last evaluated: 2024-11-11. Review status: criteria provided, single submitter. Criteria: DASA Assertion Criteria. Collection method: clinical testing. Allele origin: germline.
Comment: NM_007192.4(SUPT16H):c.483A>G (p.Lys161=) is a synonymous variant predicted not to alter the encoded amino acid sequence. This variant is absent from population databases. Computational prediction algorithms are consistent with a benign effect. The currently available literature and clinical evidence are not sufficient to establish a definitive association between this variant and the reported condition. Therefore, this variant is classified as a variant of uncertain significance.